The following is an entry in ClinVar:

NC_012920.1(MT-ND1):m.4232T>C

Gene: MT-ND1 (mitochondrially encoded NADH dehydrogenase 1; plus strand).
Variant type: single nucleotide variant.
Genome position: chrM-4232-T-C.
Identifiers: ClinVar variation 692439 (VCV000692439.2), dbSNP rs1556422834, ClinGen allele CA414774477.
Genomic context (GRCh38, chrMT:4,232, plus strand): 5'-TATGAAAAAACTTCCTACCACTCACCCTAGCATTACTTATATGATATGTCTCCATACCCA[T>C]TACAATCTCCAGCATTCCCCCTCAAACCTAAGAAATATGTCTGATAAAAGAGTTACTTTG-3'

ClinVar aggregate classification (germline): Benign. Review status: criteria provided, multiple submitters, no conflicts (2 of 4 stars). 2 submissions from 2 submitters: Benign (2). Last evaluated 2019-10-17.

Conditions:
Leigh syndrome (NULS). Also called: Leigh's necrotizing encephalopathy; Leigh's disease; Leigh Syndrome (mtDNA deletion); Leigh Disease; Subacute necrotizing encephalopathy; Necrotizing encephalopathy infantile subacute of Leigh. Identifiers: Orphanet 506, MedGen C2931891, MONDO:0009723, OMIM 256000.

Submissions (2):

Wong Mito Lab, Molecular and Human Genetics, Baylor College of Medicine
Classification: Benign for Leigh syndrome. Last evaluated: 2019-10-17. Review status: criteria provided, single submitter. Criteria: Modified ACMG Guidelines (Unpublished). Collection method: clinical testing. Allele origin: germline.
Comment: The NC_012920.1:m.4232T>C (YP_003024026.1:p.Ile309Thr) variant in MTND1 gene is interpretated to be a Benign variant based on the modified ACMG guidelines (unpublished). This variant meets the following evidence codes: BA1

Breakthrough Genomics
Classification: Benign. Review status: criteria provided, single submitter. Criteria: ACMG Guidelines, 2015. Collection method: not provided. Allele origin: germline. Inheritance: Unknown mechanism. Affected: yes.